The following is an entry in ClinVar:

ClinVar aggregate classification (germline): Uncertain significance. Review status: criteria provided, multiple submitters, no conflicts (2 of 4 stars). 4 submissions from 4 submitters: Uncertain significance (4). Last evaluated 2025-04-28.

Conditions:
Retinal dystrophy. Also called: Inherited retinal dystrophy. Identifiers: Orphanet 71862, MedGen C0854723, MeSH D058499, MONDO:0019118, HP:0000556.

Allele frequency attached by ClinVar (database versions not stated): ExAC below 0.00001; gnomAD 0.00001; gnomAD exomes 0.00001; TOPMed 0.00002.
gnomAD v4.1: 15 of 1,558,678 alleles (0.00096%); highest among the groups gnomAD compares: East Asian, 0.0024%; no homozygotes.

Submissions (4):

Labcorp Genetics (formerly Invitae), Labcorp
Classification: Uncertain significance. Last evaluated: 2025-04-28. Review status: criteria provided, single submitter. Criteria: Invitae Variant Classification Sherloc (09022015). Collection method: clinical testing. Allele origin: germline.
Comment: This sequence change replaces arginine, which is basic and polar, with glutamine, which is neutral and polar, at codon 903 of the RIMS1 protein (p.Arg903Gln). The frequency data for this variant in the population databases is considered unreliable, as metrics indicate poor data quality at this position in the gnomAD database. This missense change has been observed in individual(s) with autism spectrum disorder (PMID: 30564305). ClinVar contains an entry for this variant (Variation ID: 425387). An algorithm developed to predict the effect of missense changes on protein structure and function (PolyPhen-2) suggests that this variant is likely to be tolerated. Algorithms developed to predict the effect of sequence changes on RNA splicing suggest that this variant may disrupt the consensus splice site. In summary, the available evidence is currently insufficient to determine the role of this variant in disease. Therefore, it has been classified as a Variant of Uncertain Significance.

Blueprint Genetics
Classification: Uncertain significance. Last evaluated: 2024-03-26. Review status: criteria provided, single submitter. Criteria: ACMG Guidelines, 2015. Collection method: clinical testing. Allele origin: germline.

Institute of Human Genetics, Univ. Regensburg, Univ. Regensburg
Classification: Uncertain significance for Retinal dystrophy. Last evaluated: 2022-01-01. Review status: criteria provided, single submitter. Criteria: ACMG Guidelines, 2015. Collection method: clinical testing. Allele origin: germline. Affected: yes.

CeGaT Center for Human Genetics Tuebingen
Classification: Uncertain significance. Last evaluated: 2017-01-01. Review status: criteria provided, single submitter. Criteria: CeGaT Center For Human Genetics Tuebingen Variant Classification Criteria Version 2. Collection method: clinical testing. Allele origin: germline. Affected: yes. Observed: 1 variant allele.

Literature cited by the submitters: PubMed 30564305 (cited by Labcorp Genetics (formerly Invitae), Labcorp and Institute of Human Genetics, Univ. Regensburg, Univ. Regensburg).

NM_014989.7(RIMS1):c.2708G>A (p.Arg903Gln)

Gene: RIMS1 (regulating synaptic membrane exocytosis 1; plus strand). Cytogenetic location: 6q13.
Variant type: single nucleotide variant.
Coding change: c.2708G>A on transcript NM_014989.7 (MANE Select); coding-DNA position 2708, G replaced by A.
Protein change: p.Arg903Gln; replaces arginine 903 with glutamine.
Molecular consequence: missense variant.
Genome position (GRCh38, 1-based): chr6:72,252,770, G>A. VCF-style: chr6-72252770-G-A. GRCh37 (hg19) VCF-style: chr6-72962473-G-A.
Other names: c.1130G>A, p.Arg377Gln (NM_001168407.2, NM_001168408.2, NM_001350414.2 and 37 more transcripts); c.887G>A, p.Arg296Gln (NM_001168409.2, NM_001350466.2, NM_001350467.2 and 6 more transcripts); c.1085G>A, p.Arg362Gln (NM_001168410.2, NM_001350470.2, NM_001350472.2 and 2 more transcripts); c.1061G>A, p.Arg354Gln (NM_001350428.2, NM_001350430.2, NM_001350450.2 and 6 more transcripts); short protein forms R903Q, R296Q, R354Q, R362Q, R377Q.
Identifiers: ClinVar variation 425387 (VCV000425387.48), dbSNP rs776822598, ClinGen allele CA3886016.